The following is an entry in ClinVar:

NM_201384.3(PLEC):c.6456G>A (p.Ala2152=)

Gene: PLEC (plectin; minus strand). Cytogenetic location: 8q24.3.
Variant type: single nucleotide variant.
Coding change: c.6456G>A on transcript NM_201384.3 (MANE Select); coding-DNA position 6456, G replaced by A.
Protein change: p.Ala2152=; no amino-acid change (alanine 2152 retained).
Molecular consequence: synonymous variant.
Genome position (GRCh38, 1-based): chr8:143,923,473, C>T on the plus strand (G>A on the coding strand, the complement: PLEC is on the minus strand). VCF-style: chr8-143923473-C-T. GRCh37 (hg19) VCF-style: chr8-144997641-C-T.
Other names: c.6537G>A, p.Ala2179= (NM_000445.5); c.6414G>A, p.Ala2138= (NM_201378.4); c.6390G>A, p.Ala2130= (NM_201379.3); c.6867G>A, p.Ala2289= (NM_201380.4); c.6360G>A, p.Ala2120= (NM_201381.3); c.6456G>A, p.Ala2152= (NM_201382.4); c.6468G>A, p.Ala2156= (NM_201383.3).
Identifiers: ClinVar variation 436324 (VCV000436324.46), dbSNP rs201072292, ClinGen allele CA4925983.

ClinVar aggregate classification (germline): Benign/Likely benign. Review status: criteria provided, multiple submitters, no conflicts (2 of 4 stars). 6 submissions from 6 submitters: Benign (1); Likely benign (5). Last evaluated 2026-01-27.

Conditions:
Epidermolysis bullosa simplex 5B, with muscular dystrophy (EBS5B). Also called: Epidermolysis bullosa simplex with muscular dystrophy; EPIDERMOLYSIS BULLOSA SIMPLEX AND LIMB-GIRDLE MUSCULAR DYSTROPHY. Identifiers: Orphanet 257, MedGen C2931072, MONDO:0009181, OMIM 226670.
Epidermolysis bullosa simplex, Ogna type (EBS5A). Also called: Pidermolysis bullosa simplex 5A, Ogna type; EPIDERMOLYSIS BULLOSA SIMPLEX 5A, OGNA TYPE. Identifiers: Orphanet 79401, MedGen C0432317, MONDO:0007555, OMIM 131950.
Epidermolysis bullosa simplex 5C, with pyloric atresia (EBS5C). Also called: PLEC-Related Epidermolysis Bullosa with Pyloric Atresia; Epidermolysis bullosa simplex with pyloric atresia; PLEC1-Related Epidermolysis Bullosa with Pyloric Atresia. Identifiers: Orphanet 158684, MedGen C2677349, MONDO:0012807, OMIM 612138.
Epidermolysis bullosa simplex with nail dystrophy (EBS5D). Identifiers: MedGen C4225309, MONDO:0014661, OMIM 616487.
Autosomal recessive limb-girdle muscular dystrophy type 2Q (LGMDR17). Also called: MUSCULAR DYSTROPHY, LIMB-GIRDLE, AUTOSOMAL RECESSIVE 17. Identifiers: Orphanet 254361, MedGen C3150989, MONDO:0013390, OMIM 613723.

Allele frequency attached by ClinVar (database versions not stated): ESP Exome Variant Server 0.00017; gnomAD exomes 0.00018 and 0.00027; ExAC 0.00024; gnomAD 0.00086 and 0.00093; TOPMed 0.00088; 1000 Genomes Project 30x 0.00156; 1000 Genomes Project 0.00200.
gnomAD v4.1: 406 of 1,601,634 alleles (0.025%); highest among the groups gnomAD compares: African/African-American, 0.34%; 6 homozygotes.

Submissions (6):

Labcorp Genetics (formerly Invitae), Labcorp
Classification: Benign for Autosomal recessive limb-girdle muscular dystrophy type 2Q; Epidermolysis bullosa simplex, Ogna type; Epidermolysis bullosa simplex with nail dystrophy; Epidermolysis bullosa simplex 5C, with pyloric atresia; Epidermolysis bullosa simplex 5B, with muscular dystrophy. Last evaluated: 2026-01-27. Review status: criteria provided, single submitter. Criteria: Invitae Variant Classification Sherloc (09022015). Collection method: clinical testing. Allele origin: germline.

Blueprint Genetics
Classification: Likely benign. Last evaluated: 2024-10-23. Review status: criteria provided, single submitter. Criteria: ACMG Guidelines, 2015. Collection method: clinical testing. Allele origin: germline.

CeGaT Center for Human Genetics Tuebingen
Classification: Likely benign. Last evaluated: 2022-08-01. Review status: criteria provided, single submitter. Criteria: CeGaT Center For Human Genetics Tuebingen Variant Classification Criteria Version 2. Collection method: clinical testing. Allele origin: germline. Affected: yes. Observed: 2 variant alleles.
Comment: PLEC: BP4, BP7

GeneDx
Classification: Likely benign. Last evaluated: 2021-03-02. Review status: criteria provided, single submitter. Criteria: GeneDx Variant Classification Process June 2021. Collection method: clinical testing. Allele origin: germline. Affected: yes.

Eurofins Ntd Llc (ga)
Classification: Likely benign. Last evaluated: 2017-02-28. Review status: criteria provided, single submitter. Criteria: EGL Classification Definitions 2015. Collection method: clinical testing. Allele origin: germline. Observed: 2 variant alleles, 2 heterozygotes.

Genetic Services Laboratory, University of Chicago
Classification: Likely benign. Last evaluated: 2016-09-02. Review status: criteria provided, single submitter. Criteria: ACMG Guidelines, 2015. Collection method: clinical testing. Allele origin: germline. Affected: no.